The following is an entry in ClinVar:

NM_020297.4(ABCC9):c.1899_1901dup (p.Lys633_His634insGln)

Gene: ABCC9 (ATP binding cassette subfamily C member 9; minus strand). Cytogenetic location: 12p12.1.
Variant type: Duplication.
Coding change: c.1899_1901dup on transcript NM_020297.4 (MANE Select); coding-DNA positions 1899 to 1901, 3 bases duplicated (GCA; older notation c.1899_1901dupGCA).
Protein change: p.Lys633_His634insGln.
Molecular consequence: inframe insertion.
Genome position (GRCh38, 1-based): chr12:21,887,836-21,887,838, TGC duplicated on the plus strand (GCA on the coding strand, the reverse complement: ABCC9 is on the minus strand); duplicating any 3 consecutive bases within chr12:21,887,836-21,887,839 gives the same sequence; the c. name uses the placement nearest the transcript's 3' end. VCF-style (leftmost placement, unchanged base first): chr12-21887835-G-GTGC. GRCh37 (hg19) VCF-style: chr12-22040769-G-GTGC.
Other names: c.1899_1901dupGCA (NM_005691.3); c.1899_1901dup, p.Lys633_His634insGln (NM_001377273.1, NM_005691.4); c.1035_1037dup, p.Lys345_His346insGln (NM_001377274.1).
Identifiers: ClinVar variation 651163 (VCV000651163.8), dbSNP rs1565449096, ClinGen allele CA603676157.
Genomic context (GRCh38, chr12:21,887,835, plus strand): 5'-GCTGAGACTGTCCTCTATTCACAACTTCCAAAACAAAAATAAAGCACTTACAACTCCAGT[G>GTGC]TGCTTCTTACAGGACTCAAAAGGAAGCGAACTTTCACCAGTTCGCCAACTGTCGTCACCA-3'

ClinVar aggregate classification (germline): Uncertain significance (1 of 4 stars; one submission).

Conditions:
Dilated cardiomyopathy 1O (CMD1O). Also called: CARDIOMYOPATHY, DILATED, WITH VENTRICULAR TACHYCARDIA. Identifiers: Orphanet 154, MedGen C1837839, MONDO:0012062, OMIM 608569.

Submission:

Labcorp Genetics (formerly Invitae), Labcorp
Classification: Uncertain significance for Dilated cardiomyopathy 1O. Last evaluated: 2018-07-05. Review status: criteria provided, single submitter. Criteria: Invitae Variant Classification Sherloc (09022015). Collection method: clinical testing. Allele origin: germline.
Comment: Experimental studies and prediction algorithms are not available for this variant, and the functional significance of the disrupted amino acids is currently unknown. This variant has not been reported in the literature in individuals with ABCC9-related disease. This variant is not present in population databases (ExAC no frequency). This variant, c.1899_1901dupGCA, results in the insertion of 1 amino acid to the ABCC9 protein (p.Lys633_His634insGln), but otherwise preserves the integrity of the reading frame. In summary, the available evidence is currently insufficient to determine the role of this variant in disease. Therefore, it has been classified as a Variant of Uncertain Significance.